The following is an entry in ClinVar:

ClinVar aggregate classification (germline): Uncertain significance. Review status: criteria provided, multiple submitters, no conflicts (2 of 4 stars). 2 submissions from 2 submitters: Uncertain significance (2). Last evaluated 2024-05-20.

Conditions:
Inborn genetic diseases. Identifiers: MedGen C0950123, MeSH D030342.
Severe myoclonic epilepsy in infancy (DRVT). Also called: DEVELOPMENTAL AND EPILEPTIC ENCEPHALOPATHY 6A; Severe Myoclonic Epilepsy in Infancy (SMEI); Dravet syndrome; Epileptic encephalopathy, early infantile, 6 (Dravet syndrome); SEVERE MYOCLONIC EPILEPSY OF INFANCY. Identifiers: Orphanet 33069, MedGen C0751122, MONDO:0100135, OMIM 607208.

gnomAD v4.1: 13 of 1,357,648 alleles (0.00096%); highest among the groups gnomAD compares: Admixed American, 0.0038%; no homozygotes.

Submissions (2):

Ambry Genetics
Classification: Uncertain significance for Inborn genetic diseases. Last evaluated: 2024-05-20. Review status: criteria provided, single submitter. Criteria: Ambry Variant Classification Scheme 2023. Collection method: clinical testing. Allele origin: germline.

Labcorp Genetics (formerly Invitae), Labcorp
Classification: Uncertain significance for Severe myoclonic epilepsy in infancy. Last evaluated: 2022-08-16. Review status: criteria provided, single submitter. Criteria: Invitae Variant Classification Sherloc (09022015). Collection method: clinical testing. Allele origin: germline.
Comment: This sequence change replaces aspartic acid, which is acidic and polar, with glutamic acid, which is acidic and polar, at codon 5 of the SNX27 protein (p.Asp5Glu). This variant is not present in population databases (gnomAD no frequency). This variant has not been reported in the literature in individuals affected with SNX27-related conditions. ClinVar contains an entry for this variant (Variation ID: 1059758). Algorithms developed to predict the effect of missense changes on protein structure and function (SIFT, PolyPhen-2, Align-GVGD) all suggest that this variant is likely to be tolerated. In summary, the available evidence is currently insufficient to determine the role of this variant in disease. Therefore, it has been classified as a Variant of Uncertain Significance.

NM_001330723.2(SNX27):c.15C>G (p.Asp5Glu)

Genes: SNX27 (sorting nexin 27; plus strand), LOC129931442 (ATAC-STARR-seq lymphoblastoid silent region 1324; plus strand). Cytogenetic location: 1q21.3.
Variant type: single nucleotide variant.
Coding change: c.15C>G on transcript NM_001330723.2 (MANE Select); coding-DNA position 15, C replaced by G.
Protein change: p.Asp5Glu; replaces aspartic acid 5 with glutamic acid.
Molecular consequence: missense variant.
Genome position (GRCh38, 1-based): chr1:151,612,216, C>G. VCF-style: chr1-151612216-C-G. GRCh37 (hg19) VCF-style: chr1-151584692-C-G.
Other names: c.15C>G, p.Asp5Glu (NM_030918.6); c.15C>G (NM_030918.5); short protein forms D5E.
Identifiers: ClinVar variation 1059758 (VCV001059758.7), dbSNP rs1375319601, ClinGen allele CA341973322.